The following is an entry in ClinVar:

NM_007186.6(CEP250):c.3916G>A (p.Gly1306Arg)

Gene: CEP250 (centrosomal protein 250; plus strand). Cytogenetic location: 20q11.22.
Variant type: single nucleotide variant.
Coding change: c.3916G>A on transcript NM_007186.6 (MANE Select); coding-DNA position 3916, G replaced by A.
Protein change: p.Gly1306Arg; replaces glycine 1306 with arginine.
Molecular consequence: missense variant.
Genome position (GRCh38, 1-based): chr20:35,501,862, G>A. VCF-style: chr20-35501862-G-A. GRCh37 (hg19) VCF-style: chr20-34089689-G-A.
Other names: c.2020G>A, p.Gly674Arg (NM_001318219.1); short protein forms G674R, G1306R.
Identifiers: ClinVar variation 2125797 (VCV002125797.4), dbSNP rs2064014516, ClinGen allele CA408746479.

ClinVar aggregate classification (germline): Uncertain significance (1 of 4 stars; one submission).

Allele frequency attached by ClinVar (database versions not stated): TOPMed below 0.00001.

Submission:

Labcorp Genetics (formerly Invitae), Labcorp
Classification: Uncertain significance. Last evaluated: 2022-04-12. Review status: criteria provided, single submitter. Criteria: Invitae Variant Classification Sherloc (09022015). Collection method: clinical testing. Allele origin: germline.
Comment: This variant is not present in population databases (gnomAD no frequency). This variant has not been reported in the literature in individuals affected with CEP250-related conditions. Algorithms developed to predict the effect of missense changes on protein structure and function output the following: SIFT: "Not Available"; PolyPhen-2: "Benign"; Align-GVGD: "Not Available". The arginine amino acid residue is found in multiple mammalian species, which suggests that this missense change does not adversely affect protein function. In summary, the available evidence is currently insufficient to determine the role of this variant in disease. Therefore, it has been classified as a Variant of Uncertain Significance. This sequence change replaces glycine, which is neutral and non-polar, with arginine, which is basic and polar, at codon 1306 of the CEP250 protein (p.Gly1306Arg).